The following is an entry in ClinVar:

ClinVar aggregate classification (germline): Uncertain significance. Review status: criteria provided, multiple submitters, no conflicts (2 of 4 stars). 3 submissions from 3 submitters: Uncertain significance (2). 1 of the submissions does not count toward it. Last evaluated 2025-01-17.

Conditions:
PLXNA2-related disorder. Also called: PLXNA2-related condition.

Allele frequency attached by ClinVar (database versions not stated): gnomAD 0.00002; TOPMed 0.00003; ExAC 0.00004; gnomAD exomes 0.00004.
gnomAD v4.1: 57 of 1,612,552 alleles (0.0035%); highest among the groups gnomAD compares: Admixed American, 0.0067%; no homozygotes.

Submissions (3):

Ambry Genetics
Classification: Uncertain significance. Last evaluated: 2025-01-17. Review status: criteria provided, single submitter. Criteria: Ambry Variant Classification Scheme 2023. Collection method: clinical testing. Allele origin: germline.

Labcorp Genetics (formerly Invitae), Labcorp
Classification: Uncertain significance. Last evaluated: 2023-07-12. Review status: criteria provided, single submitter. Criteria: Invitae Variant Classification Sherloc (09022015). Collection method: clinical testing. Allele origin: germline.
Comment: In summary, the available evidence is currently insufficient to determine the role of this variant in disease. Therefore, it has been classified as a Variant of Uncertain Significance. Advanced modeling of protein sequence and biophysical properties (such as structural, functional, and spatial information, amino acid conservation, physicochemical variation, residue mobility, and thermodynamic stability) performed at Invitae indicates that this missense variant is not expected to disrupt PLXNA2 protein function. This variant has not been reported in the literature in individuals affected with PLXNA2-related conditions. This variant is present in population databases (rs749030516, gnomAD 0.007%). This sequence change replaces proline, which is neutral and non-polar, with leucine, which is neutral and non-polar, at codon 1010 of the PLXNA2 protein (p.Pro1010Leu).

PreventionGenetics, part of Exact Sciences
Classification: Uncertain significance for PLXNA2-related condition. Last evaluated: 2023-12-27. Review status: no assertion criteria provided. Collection method: clinical testing. Allele origin: germline. Not counted in ClinVar's aggregate classification.
Comment: The PLXNA2 c.3029C>T variant is predicted to result in the amino acid substitution p.Pro1010Leu. To our knowledge, this variant has not been reported in the literature. This variant is reported in 0.0071% of alleles in individuals of European (Non-Finnish) descent in gnomAD. At this time, the clinical significance of this variant is uncertain due to the absence of conclusive functional and genetic evidence.

NM_025179.4(PLXNA2):c.3029C>T (p.Pro1010Leu)

Gene: PLXNA2 (plexin A2; minus strand). Cytogenetic location: 1q32.2.
Variant type: single nucleotide variant.
Coding change: c.3029C>T on transcript NM_025179.4 (MANE Select); coding-DNA position 3029, C replaced by T.
Protein change: p.Pro1010Leu; replaces proline 1010 with leucine.
Molecular consequence: missense variant.
Genome position (GRCh38, 1-based): chr1:208,051,388, G>A on the plus strand (C>T on the coding strand, the complement: PLXNA2 is on the minus strand). VCF-style: chr1-208051388-G-A. GRCh37 (hg19) VCF-style: chr1-208224733-G-A.
Other names: c.3029C>T (NM_025179.3); short protein forms P1010L.
Identifiers: ClinVar variation 2905097 (VCV002905097.5), dbSNP rs749030516, ClinGen allele CA1373303.